The following is an entry in ClinVar:

ClinVar aggregate classification (germline): Uncertain significance (1 of 4 stars; one submission).

gnomAD v4.1: 1 of 1,603,120 alleles (0.000062%); no homozygotes.

Submission:

Quest Diagnostics Nichols Institute San Juan Capistrano
Classification: Uncertain significance. Last evaluated: 2025-07-28. Review status: criteria provided, single submitter. Criteria: Quest Diagnostics criteria. Collection method: clinical testing. Allele origin: unknown.
Comment: The BRCA2 c.4955C>T (p.Ala1652Val) variant has not been reported in individuals with BRCA2-related conditions in the published literature. This variant also has not been reported in large, multi-ethnic general populations (Genome Aggregation Database). Analysis of this variant using bioinformatics tools for the prediction of the effect of amino acid changes on protein structure and function yielded predictions that this variant is benign. Based on the available information, we are unable to determine the clinical significance of this variant.

NM_000059.4(BRCA2):c.4955C>T (p.Ala1652Val)

Gene: BRCA2 (BRCA2 DNA repair associated; plus strand). Cytogenetic location: 13q13.1.
Variant type: single nucleotide variant.
Coding change: c.4955C>T on transcript NM_000059.4 (MANE Select); coding-DNA position 4955, C replaced by T.
Protein change: p.Ala1652Val; replaces alanine 1652 with valine.
Molecular consequence: missense variant. On other transcripts: non-coding transcript variant (1), intron variant (2).
Genome position (GRCh38, 1-based): chr13:32,339,310, C>T. VCF-style: chr13-32339310-C-T. GRCh37 (hg19) VCF-style: chr13-32913447-C-T.
Other names: c.4955C>T, p.Ala1652Val (NM_001406719.1, NM_001406720.1, NM_001432077.1); c.1910-5248C>T (NM_001406721.1); c.425-5248C>T (NM_001406722.1); short protein forms A1652V.
Identifiers: ClinVar variation 4532825 (VCV004532825.1).